The following is an entry in ClinVar:

ClinVar aggregate classification (germline): Uncertain significance (1 of 4 stars; one submission).

Submission:

Labcorp Genetics (formerly Invitae), Labcorp
Classification: Uncertain significance. Last evaluated: 2019-02-17. Review status: criteria provided, single submitter. Criteria: Invitae Variant Classification Sherloc (09022015). Collection method: clinical testing. Allele origin: germline.
Comment: In summary, the available evidence is currently insufficient to determine the role of this variant in disease. Therefore, it has been classified as a Variant of Uncertain Significance. Algorithms developed to predict the effect of missense changes on protein structure and function (SIFT, PolyPhen-2, Align-GVGD) all suggest that this variant is likely to be tolerated, but these predictions have not been confirmed by published functional studies and their clinical significance is uncertain. This variant has not been reported in the literature in individuals with MTOR-related conditions. This variant is not present in population databases (ExAC no frequency). This sequence change replaces alanine with glycine at codon 461 of the MTOR protein (p.Ala461Gly). The alanine residue is highly conserved and there is a small physicochemical difference between alanine and glycine.

NM_004958.4(MTOR):c.1382C>G (p.Ala461Gly)

Gene: MTOR (mechanistic target of rapamycin kinase; minus strand). Cytogenetic location: 1p36.22.
Variant type: single nucleotide variant.
Coding change: c.1382C>G on transcript NM_004958.4 (MANE Select); coding-DNA position 1382, C replaced by G.
Protein change: p.Ala461Gly; replaces alanine 461 with glycine.
Molecular consequence: missense variant.
Genome position (GRCh38, 1-based): chr1:11,243,144, G>C on the plus strand (C>G on the coding strand, the complement: MTOR is on the minus strand). VCF-style: chr1-11243144-G-C. GRCh37 (hg19) VCF-style: chr1-11303201-G-C.
Other names: short protein forms A461G.
Identifiers: ClinVar variation 850906 (VCV000850906.9), dbSNP rs879770401, ClinGen allele CA338395884.